The following is an entry in ClinVar:

NM_139125.4(MASP1):c.731A>G (p.Tyr244Cys)

Gene: MASP1 (MBL associated serine protease 1; minus strand). Cytogenetic location: 3q27.3.
Variant type: single nucleotide variant.
Coding change: c.731A>G on transcript NM_139125.4 (MANE Select); coding-DNA position 731, A replaced by G.
Protein change: p.Tyr244Cys; replaces tyrosine 244 with cysteine.
Molecular consequence: missense variant. On other transcripts: non-coding transcript variant (1).
Genome position (GRCh38, 1-based): chr3:187,256,677, T>C on the plus strand (A>G on the coding strand, the complement: MASP1 is on the minus strand). VCF-style: chr3-187256677-T-C. GRCh37 (hg19) VCF-style: chr3-186974465-T-C.
Other names: c.731A>G, p.Tyr244Cys (NM_001031849.3, NM_001879.6); short protein forms Y244C.
Identifiers: ClinVar variation 283865 (VCV000283865.11), dbSNP rs28945071, ClinGen allele CA2749546.

ClinVar aggregate classification (germline): Uncertain significance. Review status: criteria provided, multiple submitters, no conflicts (2 of 4 stars). 4 submissions from 4 submitters: Uncertain significance (4). Last evaluated 2024-10-15.

Conditions:
Inborn genetic diseases. Identifiers: MedGen C0950123, MeSH D030342.
3MC syndrome 1. Also called: MICHELS SYNDROME; OCULOPALATOSKELETAL SYNDROME; CRANIOSYNOSTOSIS WITH LID ANOMALIES. Identifiers: Orphanet 293843, MedGen C0796059, MONDO:0009770, OMIM 257920.

Allele frequency attached by ClinVar (database versions not stated): ESP Exome Variant Server 0.00015; gnomAD exomes 0.00031 and 0.00043; gnomAD 0.00033 and 0.00034; TOPMed 0.00034; 1000 Genomes Project 30x 0.00062; 1000 Genomes Project 0.00020; ExAC 0.00026.
gnomAD v4.1: 670 of 1,614,012 alleles (0.042%); highest among the groups gnomAD compares: Non-Finnish European, 0.055%; no homozygotes.

Submissions (4):

Labcorp Genetics (formerly Invitae), Labcorp
Classification: Uncertain significance for 3MC syndrome 1. Last evaluated: 2024-10-15. Review status: criteria provided, single submitter. Criteria: Invitae Variant Classification Sherloc (09022015). Collection method: clinical testing. Allele origin: germline.
Comment: This sequence change replaces tyrosine, which is neutral and polar, with cysteine, which is neutral and slightly polar, at codon 244 of the MASP1 protein (p.Tyr244Cys). This variant is present in population databases (rs28945071, gnomAD 0.06%). This missense change has been observed in individual(s) with clinical features of 3MC syndrome (PMID: 33144682). ClinVar contains an entry for this variant (Variation ID: 283865). An algorithm developed to predict the effect of missense changes on protein structure and function (PolyPhen-2) suggests that this variant is likely to be disruptive. In summary, the available evidence is currently insufficient to determine the role of this variant in disease. Therefore, it has been classified as a Variant of Uncertain Significance.

Ambry Genetics
Classification: Uncertain significance for Inborn genetic diseases. Last evaluated: 2021-01-21. Review status: criteria provided, single submitter. Criteria: Ambry Variant Classification Scheme 2023. Collection method: clinical testing. Allele origin: germline.

GeneDx
Classification: Uncertain significance. Last evaluated: 2017-01-26. Review status: criteria provided, single submitter. Criteria: GeneDx Variant Classification (06012015). Collection method: clinical testing. Allele origin: germline. Affected: yes.
Comment: The Y244C variant in the MASP1 gene has not been reported previously as a pathogenic variant, nor as a benign variant, to our knowledge. The Y244C variant was not observed at any significant frequency in approximately 6,500 individuals of European and African American ancestry in the NHLBI Exome Sequencing Project, indicating it is not a common benign variant in these populations. The Y244C variant is a non-conservative amino acid substitution, which is likely to impact secondary protein structure as these residues differ in polarity, charge, size and/or other properties. This substitution occurs at a position that is conserved across species. In silico analysis predicts this variant is probably damaging to the protein structure/function. We interpret Y244C as a variant of uncertain significance.

Eurofins Ntd Llc (ga)
Classification: Uncertain significance. Last evaluated: 2015-10-20. Review status: criteria provided, single submitter. Criteria: EGL Classification Definitions 2015. Collection method: clinical testing. Allele origin: germline. Observed: 1 variant allele, 1 heterozygote.

Literature cited by the submitters: PubMed 33144682 (cited by Labcorp Genetics (formerly Invitae), Labcorp).